The following is an entry in ClinVar:

ClinVar aggregate classification (germline): Uncertain significance (1 of 4 stars; one submission).

Submission:

Labcorp Genetics (formerly Invitae), Labcorp
Classification: Uncertain significance. Last evaluated: 2024-06-17. Review status: criteria provided, single submitter. Criteria: Invitae Variant Classification Sherloc (09022015). Collection method: clinical testing. Allele origin: germline.
Comment: This sequence change replaces arginine, which is basic and polar, with leucine, which is neutral and non-polar, at codon 717 of the BRWD3 protein (p.Arg717Leu). This variant is not present in population databases (gnomAD no frequency). This variant has not been reported in the literature in individuals affected with BRWD3-related conditions. Advanced modeling of protein sequence and biophysical properties (such as structural, functional, and spatial information, amino acid conservation, physicochemical variation, residue mobility, and thermodynamic stability) performed at Invitae indicates that this missense variant is not expected to disrupt BRWD3 protein function with a negative predictive value of 80%. In summary, the available evidence is currently insufficient to determine the role of this variant in disease. Therefore, it has been classified as a Variant of Uncertain Significance.

NM_153252.5(BRWD3):c.2150G>T (p.Arg717Leu)

Gene: BRWD3 (bromodomain and WD repeat domain containing 3; minus strand). Cytogenetic location: Xq21.1.
Variant type: single nucleotide variant.
Coding change: c.2150G>T on transcript NM_153252.5 (MANE Select); coding-DNA position 2150, G replaced by T.
Protein change: p.Arg717Leu; replaces arginine 717 with leucine.
Molecular consequence: missense variant.
Genome position (GRCh38, 1-based): chrX:80,717,654, C>A on the plus strand (G>T on the coding strand, the complement: BRWD3 is on the minus strand). VCF-style: chrX-80717654-C-A. GRCh37 (hg19) VCF-style: chrX-79973153-C-A.
Other names: short protein forms R717L.
Identifiers: ClinVar variation 3652347 (VCV003652347.2).